The following is an entry in ClinVar:

NM_002230.4(JUP):c.115A>G (p.Ser39Gly)

Gene: JUP (junction plakoglobin; minus strand). Cytogenetic location: 17q21.2.
Variant type: single nucleotide variant.
Coding change: c.115A>G on transcript NM_002230.4 (MANE Select); coding-DNA position 115, A replaced by G.
Protein change: p.Ser39Gly; replaces serine 39 with glycine.
Molecular consequence: missense variant.
Genome position (GRCh38, 1-based): chr17:41,771,740, T>C on the plus strand (A>G on the coding strand, the complement: JUP is on the minus strand). VCF-style: chr17-41771740-T-C. GRCh37 (hg19) VCF-style: chr17-39927992-T-C.
Other names: c.115A>G, p.Ser39Gly (NM_001352773.2, NM_001352774.2, NM_001352775.2 and 3 more transcripts); short protein forms S39G.
Identifiers: ClinVar variation 1314045 (VCV001314045.14), dbSNP rs782211863, ClinGen allele CA8565580.

ClinVar aggregate classification (germline): Conflicting classifications of pathogenicity. Review status: criteria provided, conflicting classifications (1 of 4 stars). 4 submissions from 4 submitters: Uncertain significance (3); Likely benign (1). Last evaluated 2026-01-07.

Conditions:
Cardiovascular phenotype. Identifiers: MedGen CN230736.
Naxos disease (NXD). Also called: KERATOSIS PALMOPLANTARIS WITH ARRHYTHMOGENIC CARDIOMYOPATHY; MAL DE NAXOS; PALMOPLANTAR KERATODERMA WITH ARRHYTHMOGENIC RIGHT VENTRICULAR CARDIOMYOPATHY AND WOOLLY HAIR; CARDIOMYOPATHY, ARRHYTHMOGENIC RIGHT VENTRICULAR, WITH SKIN, HAIR, AND NAIL ABNORMALITIES; WOOLLY HAIR, PALMOPLANTAR KERATODERMA, AND CARDIAC ABNORMALITIES. Identifiers: Orphanet 34217, MedGen C1832600, MONDO:0011017, OMIM 601214.
Arrhythmogenic right ventricular dysplasia 12. Also called: ARRHYTHMOGENIC RIGHT VENTRICULAR DYSPLASIA, FAMILIAL, 12. Identifiers: MedGen C1969081, MONDO:0012684, OMIM 611528.

Allele frequency attached by ClinVar (database versions not stated): gnomAD exomes below 0.00001 and 0.00001; ExAC 0.00002; TOPMed 0.00003; gnomAD 0.00004.
gnomAD v4.1: 8 of 1,614,064 alleles (0.0005%); highest among the groups gnomAD compares: African/African-American, 0.011%; no homozygotes.

Submissions (4):

Labcorp Genetics (formerly Invitae), Labcorp
Classification: Uncertain significance for Arrhythmogenic right ventricular dysplasia 12; Naxos disease. Last evaluated: 2026-01-07. Review status: criteria provided, single submitter. Criteria: Invitae Variant Classification Sherloc (09022015). Collection method: clinical testing. Allele origin: germline.
Comment: This sequence change replaces serine, which is neutral and polar, with glycine, which is neutral and non-polar, at codon 39 of the JUP protein (p.Ser39Gly). This variant is present in population databases (rs782211863, gnomAD 0.02%). This variant has not been reported in the literature in individuals affected with JUP-related conditions. ClinVar contains an entry for this variant (Variation ID: 1314045). An algorithm developed to predict the effect of missense changes on protein structure and function outputs the following: PolyPhen-2: "Benign". The glycine amino acid residue is found in multiple mammalian species, which suggests that this missense change does not adversely affect protein function. In summary, the available evidence is currently insufficient to determine the role of this variant in disease. Therefore, it has been classified as a Variant of Uncertain Significance.

Ambry Genetics
Classification: Likely benign for Cardiovascular phenotype. Last evaluated: 2022-04-29. Review status: criteria provided, single submitter. Criteria: Ambry Variant Classification Scheme 2023. Collection method: clinical testing. Allele origin: germline.

Fulgent Genetics
Classification: Uncertain significance for Naxos disease; Arrhythmogenic right ventricular dysplasia 12. Last evaluated: 2021-08-21. Review status: criteria provided, single submitter. Criteria: ACMG Guidelines, 2015. Collection method: clinical testing. Allele origin: unknown.

GeneDx
Classification: Uncertain significance. Last evaluated: 2021-01-12. Review status: criteria provided, single submitter. Criteria: GeneDx Variant Classification Process June 2021. Collection method: clinical testing. Allele origin: germline. Affected: yes.
Comment: Has not been previously published as pathogenic or benign to our knowledge; Not observed at a significant frequency in large population cohorts (Lek et al., 2016); In silico analysis supports that this missense variant does not alter protein structure/function